The following is an entry in ClinVar:

NM_000540.3(RYR1):c.4592A>G (p.Asn1531Ser)

Gene: RYR1 (ryanodine receptor 1; plus strand). Cytogenetic location: 19q13.2.
Variant type: single nucleotide variant.
Coding change: c.4592A>G on transcript NM_000540.3 (MANE Select); coding-DNA position 4592, A replaced by G.
Protein change: p.Asn1531Ser; replaces asparagine 1531 with serine.
Molecular consequence: missense variant.
Genome position (GRCh38, 1-based): chr19:38,478,572, A>G. VCF-style: chr19-38478572-A-G. GRCh37 (hg19) VCF-style: chr19-38969212-A-G.
Other names: c.4592A>G, p.Asn1531Ser (NM_001042723.2); short protein forms N1531S.
Identifiers: ClinVar variation 835411 (VCV000835411.22), dbSNP rs1968860939, ClinGen allele CA405648060.

ClinVar aggregate classification (germline): Uncertain significance. Review status: criteria provided, multiple submitters, no conflicts (2 of 4 stars). 4 submissions from 4 submitters: Uncertain significance (4). Last evaluated 2025-01-01.

Conditions:
Malignant hyperthermia, susceptibility to, 1 (MHS1). Also called: RYR1-Related Malignant Hyperthermia Susceptibility; Anesthesia related hyperthermia; Malignant hyperpyrexia; Fulminating hyperpyrexia; Pharmacogenic myopathy; Malignant hyperthermia suceptibility 1. Identifiers: Orphanet 423, MedGen C2930980, MONDO:0007783, OMIM 145600.
Congenital multicore myopathy with external ophthalmoplegia (CMYO1B). Also called: MULTIMINICORE DISEASE WITH EXTERNAL OPHTHALMOPLEGIA; Minicore myopathy with external ophthalmoplegia; Congenital myopathy 1B, autosomal recessive; Minicore myopathy; MULTICORE MYOPATHY. Identifiers: Orphanet 598, Orphanet 98905, MedGen C1850674, MONDO:0009712, OMIM 255320, HP:0003789.
King Denborough syndrome (KDS). Identifiers: MedGen C1840365, MONDO:0020485, OMIM 619542.
Central core myopathy (CMYO1A). Also called: Central core disease; Myopathy, central fibrillar; CONGENITAL MYOPATHY 1A, AUTOSOMAL DOMINANT, WITH SUSCEPTIBILITY TO MALIGNANT HYPERTHERMIA. Identifiers: Orphanet 597, MedGen C5830701, MONDO:0007294, OMIM 117000.
RYR1-related disorder. Also called: RYR1-related condition; RYR1-related disorders. Identifiers: MedGen CN239331.

Allele frequency attached by ClinVar (database versions not stated): gnomAD exomes below 0.00001.
gnomAD v4.1: 6 of 1,613,540 alleles (0.00037%); highest among the groups gnomAD compares: Non-Finnish European, 0.00051%; no homozygotes.

Submissions (4):

CeGaT Center for Human Genetics Tuebingen
Classification: Uncertain significance. Last evaluated: 2025-01-01. Review status: criteria provided, single submitter. Criteria: CeGaT Center For Human Genetics Tuebingen Variant Classification Criteria Version 2. Collection method: clinical testing. Allele origin: germline. Affected: yes. Observed: 1 variant allele.
Comment: RYR1: PM2

Color Diagnostics, LLC DBA Color Health
Classification: Uncertain significance for Malignant hyperthermia, susceptibility to, 1. Last evaluated: 2024-02-06. Review status: criteria provided, single submitter. Criteria: ACMG Guidelines, 2015. Collection method: clinical testing. Allele origin: germline.
Comment: This missense variant replaces asparagine with serine at codon 1531 of the RYR1 protein. Computational prediction is inconclusive regarding the impact of this variant on protein structure and function. To our knowledge, functional studies have not been reported for this variant. This variant has not been reported in individuals affected with RYR1-related disorders in the literature. This variant has not been identified in the general population by the Genome Aggregation Database (gnomAD). The available evidence is insufficient to determine the role of this variant in disease conclusively. Therefore, this variant is classified as a Variant of Uncertain Significance.

Fulgent Genetics
Classification: Uncertain significance for Central core myopathy; Malignant hyperthermia, susceptibility to, 1; Congenital multicore myopathy with external ophthalmoplegia; King Denborough syndrome. Last evaluated: 2023-12-29. Review status: criteria provided, single submitter. Criteria: ACMG Guidelines, 2015. Collection method: clinical testing. Allele origin: germline.

Labcorp Genetics (formerly Invitae), Labcorp
Classification: Uncertain significance for RYR1-related disorder. Last evaluated: 2022-08-17. Review status: criteria provided, single submitter. Criteria: Invitae Variant Classification Sherloc (09022015). Collection method: clinical testing. Allele origin: germline.
Comment: This sequence change replaces asparagine, which is neutral and polar, with serine, which is neutral and polar, at codon 1531 of the RYR1 protein (p.Asn1531Ser). This variant is not present in population databases (gnomAD no frequency). This variant has not been reported in the literature in individuals affected with RYR1-related conditions. ClinVar contains an entry for this variant (Variation ID: 835411). Advanced modeling of protein sequence and biophysical properties (such as structural, functional, and spatial information, amino acid conservation, physicochemical variation, residue mobility, and thermodynamic stability) performed at Invitae indicates that this missense variant is not expected to disrupt RYR1 protein function. In summary, the available evidence is currently insufficient to determine the role of this variant in disease. Therefore, it has been classified as a Variant of Uncertain Significance.